The following is an entry in ClinVar:

NM_017617.5(NOTCH1):c.5386C>T (p.Pro1796Ser)

Gene: NOTCH1 (notch receptor 1; minus strand). Cytogenetic location: 9q34.3.
Variant type: single nucleotide variant.
Coding change: c.5386C>T on transcript NM_017617.5 (MANE Select); coding-DNA position 5386, C replaced by T.
Protein change: p.Pro1796Ser; replaces proline 1796 with serine.
Molecular consequence: missense variant.
Genome position (GRCh38, 1-based): chr9:136,502,087, G>A on the plus strand (C>T on the coding strand, the complement: NOTCH1 is on the minus strand). VCF-style: chr9-136502087-G-A. GRCh37 (hg19) VCF-style: chr9-139396539-G-A.
Other names: short protein forms P1796S.
Identifiers: ClinVar variation 1719939 (VCV001719939.5), dbSNP rs1216304049, ClinGen allele CA375640201.

ClinVar aggregate classification (germline): Uncertain significance (1 of 4 stars; one submission).

Conditions:
Adams-Oliver syndrome 5 (AOS5). Identifiers: Orphanet 974, MedGen C4014970, MONDO:0014459, OMIM 616028.

gnomAD v4.1: 2 of 1,613,100 alleles (0.00012%); highest among the groups gnomAD compares: South Asian, 0.0011%; no homozygotes.

Submission:

Labcorp Genetics (formerly Invitae), Labcorp
Classification: Uncertain significance for Adams-Oliver syndrome 5. Last evaluated: 2022-09-21. Review status: criteria provided, single submitter. Criteria: Invitae Variant Classification Sherloc (09022015). Collection method: clinical testing. Allele origin: germline.
Comment: In summary, the available evidence is currently insufficient to determine the role of this variant in disease. Therefore, it has been classified as a Variant of Uncertain Significance. Algorithms developed to predict the effect of missense changes on protein structure and function (SIFT, PolyPhen-2, Align-GVGD) all suggest that this variant is likely to be disruptive. This variant has not been reported in the literature in individuals affected with NOTCH1-related conditions. This variant is present in population databases (no rsID available, gnomAD 0.003%). This sequence change replaces proline, which is neutral and non-polar, with serine, which is neutral and polar, at codon 1796 of the NOTCH1 protein (p.Pro1796Ser).